The following is an entry in ClinVar:

NM_003640.5(ELP1):c.1169A>G (p.Asn390Ser)

Gene: ELP1 (elongator acetyltransferase complex subunit 1; minus strand). Cytogenetic location: 9q31.3.
Variant type: single nucleotide variant.
Coding change: c.1169A>G on transcript NM_003640.5 (MANE Select); coding-DNA position 1169, A replaced by G.
Protein change: p.Asn390Ser; replaces asparagine 390 with serine.
Molecular consequence: missense variant.
Genome position (GRCh38, 1-based): chr9:108,912,284, T>C on the plus strand (A>G on the coding strand, the complement: ELP1 is on the minus strand). VCF-style: chr9-108912284-T-C. GRCh37 (hg19) VCF-style: chr9-111674564-T-C.
Other names: c.1169A>G (LRG_251t1); c.827A>G, p.Asn276Ser (NM_001318360.2); c.122A>G, p.Asn41Ser (NM_001330749.2); short protein forms N390S, N41S, N276S.
Identifiers: ClinVar variation 526180 (VCV000526180.5), dbSNP rs1273486554, ClinGen allele CA374429271.

ClinVar aggregate classification (germline): Uncertain significance (1 of 4 stars; one submission).

Allele frequency attached by ClinVar (database versions not stated): gnomAD exomes below 0.00001; gnomAD 0.00001.
gnomAD v4.1: 3 of 1,613,998 alleles (0.00019%); highest among the groups gnomAD compares: East Asian, 0.0022%; no homozygotes.

Submission:

Labcorp Genetics (formerly Invitae), Labcorp
Classification: Uncertain significance. Last evaluated: 2021-08-30. Review status: criteria provided, single submitter. Criteria: Invitae Variant Classification Sherloc (09022015). Collection method: clinical testing. Allele origin: germline.
Comment: This sequence change replaces asparagine with serine at codon 390 of the ELP1 protein (p.Asn390Ser). The asparagine residue is weakly conserved and there is a small physicochemical difference between asparagine and serine. This variant is not present in population databases (ExAC no frequency). This variant has not been reported in the literature in individuals affected with ELP1-related conditions. Algorithms developed to predict the effect of missense changes on protein structure and function output the following: SIFT: "Tolerated"; PolyPhen-2: "Benign"; Align-GVGD: "Class C0". The serine amino acid residue is found in multiple mammalian species, which suggests that this missense change does not adversely affect protein function. Algorithms developed to predict the effect of sequence changes on RNA splicing suggest that this variant may create or strengthen a splice site. In summary, the available evidence is currently insufficient to determine the role of this variant in disease. Therefore, it has been classified as a Variant of Uncertain Significance.